The following is an entry in ClinVar:

NM_004752.4(GCM2):c.1462G>A (p.Ala488Thr)

Gene: GCM2 (glial cells missing transcription factor 2; minus strand). Cytogenetic location: 6p24.2.
Variant type: single nucleotide variant.
Coding change: c.1462G>A on transcript NM_004752.4 (MANE Select); coding-DNA position 1462, G replaced by A.
Protein change: p.Ala488Thr; replaces alanine 488 with threonine.
Molecular consequence: missense variant.
Genome position (GRCh38, 1-based): chr6:10,874,054, C>T on the plus strand (G>A on the coding strand, the complement: GCM2 is on the minus strand). VCF-style: chr6-10874054-C-T. GRCh37 (hg19) VCF-style: chr6-10874287-C-T.
Other names: c.1462G>A (NM_004752.3); short protein forms A488T.
Identifiers: ClinVar variation 3592936 (VCV003592936.3).

ClinVar aggregate classification (germline): Uncertain significance. Review status: criteria provided, multiple submitters, no conflicts (2 of 4 stars). 3 submissions from 3 submitters: Uncertain significance (3). Last evaluated 2025-11-11.

Conditions:
Hyperparathyroidism 4 (HRPT4). Identifiers: MedGen C4479229, MONDO:0024570, OMIM 617343.
Hypoparathyroidism, familial isolated, 2. Identifiers: MedGen C5394383, MONDO:0020798, OMIM 618883.
Inborn genetic diseases. Identifiers: MedGen C0950123, MeSH D030342.

gnomAD v4.1: 53 of 1,614,072 alleles (0.0033%); highest among the groups gnomAD compares: South Asian, 0.0044%; no homozygotes.

Submissions (3):

Ambry Genetics
Classification: Uncertain significance for Inborn genetic diseases. Last evaluated: 2025-11-11. Review status: criteria provided, single submitter. Criteria: Ambry Variant Classification Scheme 2023. Collection method: clinical testing. Allele origin: germline.

Labcorp Genetics (formerly Invitae), Labcorp
Classification: Uncertain significance. Last evaluated: 2025-03-20. Review status: criteria provided, single submitter. Criteria: Invitae Variant Classification Sherloc (09022015). Collection method: clinical testing. Allele origin: germline.
Comment: This sequence change replaces alanine, which is neutral and non-polar, with threonine, which is neutral and polar, at codon 488 of the GCM2 protein (p.Ala488Thr). This variant is present in population databases (rs751668850, gnomAD 0.004%). This variant has not been reported in the literature in individuals affected with GCM2-related conditions. ClinVar contains an entry for this variant (Variation ID: 3592936). An algorithm developed to predict the effect of missense changes on protein structure and function outputs the following: PolyPhen-2: "Benign". The threonine amino acid residue is found in multiple mammalian species, which suggests that this missense change does not adversely affect protein function. In summary, the available evidence is currently insufficient to determine the role of this variant in disease. Therefore, it has been classified as a Variant of Uncertain Significance.

Fulgent Genetics
Classification: Uncertain significance for Hyperparathyroidism 4; Hypoparathyroidism, familial isolated, 2. Last evaluated: 2024-05-08. Review status: criteria provided, single submitter. Criteria: ACMG Guidelines, 2015. Collection method: clinical testing. Allele origin: germline.